The following is an entry in ClinVar:

NM_199420.4(POLQ):c.4279G>T (p.Gly1427Cys)

Gene: POLQ (DNA polymerase theta; minus strand). Cytogenetic location: 3q13.33.
Variant type: single nucleotide variant.
Coding change: c.4279G>T on transcript NM_199420.4 (MANE Select); coding-DNA position 4279, G replaced by T.
Protein change: p.Gly1427Cys; replaces glycine 1427 with cysteine.
Molecular consequence: missense variant.
Genome position (GRCh38, 1-based): chr3:121,488,652, C>A on the plus strand (G>T on the coding strand, the complement: POLQ is on the minus strand). VCF-style: chr3-121488652-C-A. GRCh37 (hg19) VCF-style: chr3-121207499-C-A.
Other names: short protein forms G1427C.
Identifiers: ClinVar variation 2497172 (VCV002497172.2), dbSNP rs142830983, ClinGen allele CA354095507.

ClinVar aggregate classification (germline): Uncertain significance (1 of 4 stars; one submission).

Submission:

Ambry Genetics
Classification: Uncertain significance. Last evaluated: 2023-03-05. Review status: criteria provided, single submitter. Criteria: Ambry Variant Classification Scheme 2023. Collection method: clinical testing. Allele origin: germline.
Comment: The p.G1427C variant (also known as c.4279G>T), located in coding exon 16 of the POLQ gene, results from a G to T substitution at nucleotide position 4279. The glycine at codon 1427 is replaced by cysteine, an amino acid with highly dissimilar properties. This amino acid position is conserved. In addition, this alteration is predicted to be tolerated by in silico analysis. Since supporting evidence is limited at this time, the clinical significance of this alteration remains unclear.